The following is an entry in ClinVar:

NM_000540.3(RYR1):c.15056_15061del (p.Cys5019_Asp5021delinsTyr)

Gene: RYR1 (ryanodine receptor 1; plus strand). Cytogenetic location: 19q13.2.
Variant type: Deletion.
Coding change: c.15056_15061del on transcript NM_000540.3 (MANE Select); coding-DNA positions 15056 to 15061, 6 bases deleted (GTTGGG; older notation c.15056_15061delGTTGGG).
Protein change: p.Cys5019_Asp5021delinsTyr.
Molecular consequence: inframe indel.
Genome position (GRCh38, 1-based): chr19:38,587,359-38,587,364, GTTGGG deleted. VCF-style (leftmost placement, unchanged base first): chr19-38587358-TGTTGGG-T. GRCh37 (hg19) VCF-style: chr19-39077998-TGTTGGG-T.
Other names: c.15041_15046del, p.Cys5014_Asp5016delinsTyr (NM_001042723.2).
Identifiers: ClinVar variation 1024493 (VCV001024493.9), dbSNP rs1974544557, ClinGen allele CA2335096122.

ClinVar aggregate classification (germline): Uncertain significance. Review status: criteria provided, multiple submitters, no conflicts (2 of 4 stars). 2 submissions from 2 submitters: Uncertain significance (2). Last evaluated 2023-10-27.

Conditions:
Malignant hyperthermia, susceptibility to, 1 (MHS1). Also called: RYR1-Related Malignant Hyperthermia Susceptibility; Malignant hyperthermia suceptibility 1; Anesthesia related hyperthermia; Malignant hyperpyrexia; Fulminating hyperpyrexia; Pharmacogenic myopathy. Identifiers: Orphanet 423, MedGen C2930980, MONDO:0007783, OMIM 145600.
RYR1-related disorder. Also called: RYR1-related disorders; RYR1-related condition. Identifiers: MedGen CN239331.

Allele frequency attached by ClinVar (database versions not stated): gnomAD exomes below 0.00001.

Submissions (2):

All of Us Research Program, National Institutes of Health
Classification: Uncertain significance for Malignant hyperthermia, susceptibility to, 1. Last evaluated: 2023-10-27. Review status: criteria provided, single submitter. Criteria: ACMG Guidelines, 2015. Collection method: clinical testing. Allele origin: germline. Inheritance: Autosomal dominant inheritance. Observed: 2 variant alleles, 2 heterozygotes.
Comment: This variant deletes two amino acids and changes an additional amino acid in exon 106 of the RYR1 protein. To our knowledge, functional studies have not been reported for this variant. This variant has not been reported in individuals affected with RYR1-related disorders in the literature. This variant has not been identified in the general population by the Genome Aggregation Database (gnomAD). The available evidence is insufficient to determine the role of this variant in disease conclusively. Therefore, this variant is classified as a Variant of Uncertain Significance.

This study involves interpretation of variants in research participants for the purpose of population health screening. Participant phenotype was not available at the time of variant classification. Additional details can be found in publication PMID: 35346344, PMCID: PMC8962531

Labcorp Genetics (formerly Invitae), Labcorp
Classification: Uncertain significance for RYR1-related disorder. Last evaluated: 2020-05-24. Review status: criteria provided, single submitter. Criteria: Invitae Variant Classification Sherloc (09022015). Collection method: clinical testing. Allele origin: germline.
Comment: In summary, the available evidence is currently insufficient to determine the role of this variant in disease. Therefore, it has been classified as a Variant of Uncertain Significance. Experimental studies and prediction algorithms are not available or were not evaluated, and the functional significance of this variant is currently unknown. This variant has not been reported in the literature in individuals with RYR1-related conditions. This variant is not present in population databases (ExAC no frequency). This variant, c.15056_15061del, results in the deletion of 2 amino acid(s) of the RYR1 protein (p.Cys5019_Asp5021delinsTyr), but otherwise preserves the integrity of the reading frame.